The following is an entry in ClinVar:

ClinVar aggregate classification (germline): Conflicting classifications of pathogenicity. Review status: criteria provided, conflicting classifications (1 of 4 stars). 5 submissions from 5 submitters: Uncertain significance (1); Benign (1); Likely benign (2). 1 of the submissions does not count toward it. Last evaluated 2026-02-01.

Conditions:
ZNF335-related disorder. Also called: ZNF335-related condition.

Allele frequency attached by ClinVar (database versions not stated): gnomAD 0.00636 and 0.00766; ESP Exome Variant Server 0.00692; 1000 Genomes Project 30x 0.01390; gnomAD exomes 0.01171 and 0.01243; ExAC 0.01198; TOPMed 0.00622; 1000 Genomes Project 0.01458.
gnomAD v4.1: 19,335 of 1,614,152 alleles (1.2%); highest among the groups gnomAD compares: South Asian, 4.5%; 259 homozygotes.

Submissions (5):

Labcorp Genetics (formerly Invitae), Labcorp
Classification: Benign. Last evaluated: 2026-02-01. Review status: criteria provided, single submitter. Criteria: Invitae Variant Classification Sherloc (09022015). Collection method: clinical testing. Allele origin: germline.

GeneDx
Classification: Likely benign. Last evaluated: 2023-07-25. Review status: criteria provided, single submitter. Criteria: GeneDx Variant Classification Process June 2021. Collection method: clinical testing. Allele origin: germline. Affected: yes.
Comment: See Variant Classification Assertion Criteria.

Center for Pediatric Genomic Medicine, Children's Mercy Hospital and Clinics
Classification: Likely benign. Last evaluated: 2017-01-27. Review status: criteria provided, single submitter. Criteria: ACMG Guidelines, 2015. Collection method: clinical testing. Allele origin: germline.
ClinVar note: Converted during submission from Likely Benign to Likely benign.

Genetic Services Laboratory, University of Chicago
Classification: Uncertain significance. Last evaluated: 2014-07-24. Review status: criteria provided, single submitter. Criteria: ACMG Guidelines, 2015. Collection method: clinical testing. Allele origin: germline.

PreventionGenetics, part of Exact Sciences
Classification: Benign for ZNF335-related condition. Last evaluated: 2019-04-05. Review status: no assertion criteria provided. Collection method: clinical testing. Allele origin: germline. Not counted in ClinVar's aggregate classification.
Comment: This variant is classified as benign based on ACMG/AMP sequence variant interpretation guidelines (Richards et al. 2015 PMID: 25741868, with internal and published modifications).

NM_022095.4(ZNF335):c.1963C>T (p.Pro655Ser)

Gene: ZNF335 (zinc finger protein 335; minus strand). Cytogenetic location: 20q13.12.
Variant type: single nucleotide variant.
Coding change: c.1963C>T on transcript NM_022095.4 (MANE Select); coding-DNA position 1963, C replaced by T.
Protein change: p.Pro655Ser; replaces proline 655 with serine.
Molecular consequence: missense variant.
Genome position (GRCh38, 1-based): chr20:45,960,265, G>A on the plus strand (C>T on the coding strand, the complement: ZNF335 is on the minus strand). VCF-style: chr20-45960265-G-A. GRCh37 (hg19) VCF-style: chr20-44588904-G-A.
Other names: short protein forms P655S.
Identifiers: ClinVar variation 212643 (VCV000212643.21), dbSNP rs117132825, ClinGen allele CA205812.